The following is an entry in ClinVar:

ClinVar aggregate classification (germline): Uncertain significance (1 of 4 stars; one submission).

Conditions:
Inborn genetic diseases. Identifiers: MedGen C0950123, MeSH D030342.

Allele frequency attached by ClinVar (database versions not stated): gnomAD exomes below 0.00001.
gnomAD v4.1: 1 of 1,604,612 alleles (0.000062%); no homozygotes.

Submission:

Ambry Genetics
Classification: Uncertain significance for Inborn genetic diseases. Last evaluated: 2023-07-17. Review status: criteria provided, single submitter. Criteria: Ambry Variant Classification Scheme 2023. Collection method: clinical testing. Allele origin: germline.
Comment: The p.A462E variant (also known as c.1385C>A), located in coding exon 10 of the EPAS1 gene, results from a C to A substitution at nucleotide position 1385. The alanine at codon 462 is replaced by glutamic acid, an amino acid with dissimilar properties. This amino acid position is conserved. In addition, this alteration is predicted to be tolerated by in silico analysis. Since supporting evidence is limited at this time, the clinical significance of this alteration remains unclear.

NM_001430.5(EPAS1):c.1385C>A (p.Ala462Glu)

Gene: EPAS1 (endothelial PAS domain protein 1; plus strand). Cytogenetic location: 2p21.
Variant type: single nucleotide variant.
Coding change: c.1385C>A on transcript NM_001430.5 (MANE Select); coding-DNA position 1385, C replaced by A.
Protein change: p.Ala462Glu; replaces alanine 462 with glutamic acid.
Molecular consequence: missense variant.
Genome position (GRCh38, 1-based): chr2:46,378,029, C>A. VCF-style: chr2-46378029-C-A. GRCh37 (hg19) VCF-style: chr2-46605168-C-A.
Other names: short protein forms A462E.
Identifiers: ClinVar variation 2626646 (VCV002626646.2), dbSNP rs2103667584, ClinGen allele CA346703972.